The following is an entry in ClinVar:

NM_000097.7(CPOX):c.127_131dup (p.Gly45fs)

Genes: CPOX (coproporphyrinogen oxidase; minus strand), LOC129937121 (ATAC-STARR-seq lymphoblastoid silent region 14560; plus strand). Cytogenetic location: 3q11.2.
Variant type: Microsatellite.
Coding change: c.127_131dup on transcript NM_000097.7 (MANE Select); coding-DNA positions 127 to 131, 5 bases duplicated (GCAGC; older notation c.127_131dupGCAGC).
Protein change: p.Gly45fs; shifts the reading frame from glycine 45.
Molecular consequence: frameshift variant.
Genome position (GRCh38, 1-based): chr3:98,593,374-98,593,378, GCTGC duplicated on the plus strand (GCAGC on the coding strand, the reverse complement: CPOX is on the minus strand); duplicating any 5 consecutive bases within chr3:98,593,374-98,593,387 gives the same sequence; the c. name uses the placement nearest the transcript's 3' end. VCF-style (leftmost placement, unchanged base first): chr3-98593373-G-GGCTGC. GRCh37 (hg19) VCF-style: chr3-98312217-G-GGCTGC.
Other names: p.Gly45Glnfs*93; c.127_131dup5 (NM_000097.5); short protein forms G45fs.
Identifiers: ClinVar variation 454 (VCV000000454.14), dbSNP rs786205053, ClinGen allele CA212739.

ClinVar aggregate classification (germline): Pathogenic. Review status: criteria provided, multiple submitters, no conflicts (2 of 4 stars). 5 submissions from 5 submitters: Pathogenic (4). 1 of the submissions does not count toward it. Last evaluated 2026-05-22.

Conditions:
CPOX-related disorder. Also called: CPOX-related condition; CPOX-related disorders.
Coproporphyria. Identifiers: MedGen C0342856.

Submissions (5):

PreventionGenetics, part of Exact Sciences
Classification: Pathogenic for CPOX-related condition. Last evaluated: 2026-05-22. Review status: criteria provided, single submitter. Criteria: ACMG Guidelines, 2015. Collection method: clinical testing. Allele origin: germline.
Comment: The CPOX c.127_131dup5 variant is predicted to result in a frameshift and premature protein termination (p.Gly45Glnfs*93). This variant has been reported in the heterozygous state in individuals with coproporphyria (described as 129ins5, Lamoril et al. 1997. PubMed ID: 8990017; Borrero Corte et al. 2019. PubMed ID: 30476629). This variant has not been reported in a large population database (gnomAD), indicating this variant is rare. Frameshift variants in CPOX are expected to be pathogenic. This variant is interpreted as pathogenic.

Mayo Clinic Laboratories, Mayo Clinic
Classification: Pathogenic. Last evaluated: 2025-05-20. Review status: criteria provided, single submitter. Criteria: ACMG Guidelines, 2015. Collection method: clinical testing. Allele origin: germline. Observed: 1 variant allele.
Comment: PP4, PM2_supporting, PS4_moderate, PVS1

Labcorp Genetics (formerly Invitae), Labcorp
Classification: Pathogenic. Last evaluated: 2023-12-09. Review status: criteria provided, single submitter. Criteria: Invitae Variant Classification Sherloc (09022015). Collection method: clinical testing. Allele origin: germline.
Comment: This sequence change creates a premature translational stop signal (p.Gly45Glnfs*93) in the CPOX gene. It is expected to result in an absent or disrupted protein product. Loss-of-function variants in CPOX are known to be pathogenic (PMID: 9888388). This variant is not present in population databases (gnomAD no frequency). This premature translational stop signal has been observed in individual(s) with autosomal dominant CPOX-related conditions (PMID: 8990017, 30476629). ClinVar contains an entry for this variant (Variation ID: 454). For these reasons, this variant has been classified as Pathogenic.

GeneDx
Classification: Pathogenic. Last evaluated: 2016-01-14. Review status: criteria provided, single submitter. Criteria: GeneDx Variant Classification (06012015). Collection method: clinical testing. Allele origin: germline. Affected: yes.
Comment: The c.127_131dupGCAGC variant in the CPOX gene has been reported previously using alternate nomenclature 129ins5 in a patient with coproporphyria (Lamoril et al., 1997). The c.127_131dupGCAGC variant causes a frameshift starting with codon Glycine 45, changes this amino acid to a Glutamine residue, and creates a premature Stop codon at position 93 of the new reading frame, denoted p.Gly45GlnfsX93. This variant is predicted to cause loss of normal protein function either through protein truncation or nonsense-mediated mRNA decay. The c.127_131dupGCAGC variant was not observed in approximately 767 individuals of European and African American ancestry in the NHLBI Exome Sequencing Project, indicating it is not a common benign variant in these populations. We interpret c.127_131dupGCAGC as a pathogenic variant.

OMIM
Classification: Pathogenic for COPROPORPHYRIA. Last evaluated: 1997-01-01. Review status: no assertion criteria provided. Collection method: literature only. Allele origin: germline. Not counted in ClinVar's aggregate classification.

Literature cited by the submitters: PubMed 30476629 (cited by Mayo Clinic Laboratories, Mayo Clinic and Labcorp Genetics (formerly Invitae), Labcorp); PubMed 8990017 (cited by 3 submitters); PubMed 9888388 (cited by Mayo Clinic Laboratories, Mayo Clinic and Labcorp Genetics (formerly Invitae), Labcorp).